The following is an entry in ClinVar:

NM_000540.3(RYR1):c.6663+6G>A

Gene: RYR1 (ryanodine receptor 1; plus strand). Cytogenetic location: 19q13.2.
Variant type: single nucleotide variant.
Coding change: c.6663+6G>A on transcript NM_000540.3 (MANE Select); 6 bases into the intron after coding-DNA position 6663, G replaced by A.
Molecular consequence: intron variant.
Genome position (GRCh38, 1-based): chr19:38,496,335, G>A. VCF-style: chr19-38496335-G-A. GRCh37 (hg19) VCF-style: chr19-38986975-G-A.
Other names: c.6663+6G>A (NM_001042723.2).
Identifiers: ClinVar variation 2150499 (VCV002150499.5), dbSNP rs2514287436, ClinGen allele CA2576770961.

ClinVar aggregate classification (germline): Uncertain significance. Review status: criteria provided, multiple submitters, no conflicts (2 of 4 stars). 2 submissions from 2 submitters: Uncertain significance (2). Last evaluated 2025-09-30.

Conditions:
RYR1-related disorder. Also called: RYR1-related disorders; RYR1-related condition. Identifiers: MedGen CN239331.
Malignant hyperthermia, susceptibility to, 1 (MHS1). Also called: Anesthesia related hyperthermia; Malignant hyperpyrexia; Fulminating hyperpyrexia; Pharmacogenic myopathy; RYR1-Related Malignant Hyperthermia Susceptibility; Malignant hyperthermia suceptibility 1. Identifiers: Orphanet 423, MedGen C2930980, MONDO:0007783, OMIM 145600.

Allele frequency attached by ClinVar (database versions not stated): gnomAD exomes below 0.00001.
gnomAD v4.1: 1 of 1,613,888 alleles (0.000062%); highest among the groups gnomAD compares: Non-Finnish European, 0.000085%; no homozygotes.

Submissions (2):

Labcorp Genetics (formerly Invitae), Labcorp
Classification: Uncertain significance for RYR1-related disorder. Last evaluated: 2025-09-30. Review status: criteria provided, single submitter. Criteria: Invitae Variant Classification Sherloc (09022015). Collection method: clinical testing. Allele origin: germline.
Comment: This sequence change falls in intron 40 of the RYR1 gene. It does not directly change the encoded amino acid sequence of the RYR1 protein. It affects a nucleotide within the consensus splice site. This variant is not present in population databases (gnomAD no frequency). This variant has not been reported in the literature in individuals affected with RYR1-related conditions. ClinVar contains an entry for this variant (Variation ID: 2150499). Variants that disrupt the consensus splice site are a relatively common cause of aberrant splicing (PMID: 17576681, 9536098). Algorithms developed to predict the effect of sequence changes on RNA splicing suggest that this variant is not likely to affect RNA splicing. In summary, the available evidence is currently insufficient to determine the role of this variant in disease. Therefore, it has been classified as a Variant of Uncertain Significance.

All of Us Research Program, National Institutes of Health
Classification: Uncertain significance for Malignant hyperthermia, susceptibility to, 1. Last evaluated: 2023-12-18. Review status: criteria provided, single submitter. Criteria: ACMG Guidelines, 2015. Collection method: clinical testing. Allele origin: germline. Inheritance: Autosomal dominant inheritance. Observed: 1 variant allele, 1 heterozygote.
Comment: This variant causes a G to A nucleotide substitution at the +6 position of intron 40 of the RYR1 gene. To our knowledge, functional studies have not been reported for this variant. This variant has not been reported in individuals affected with RYR1-related disorders in the literature. This variant has not been identified in the general population by the Genome Aggregation Database (gnomAD). The available evidence is insufficient to determine the role of this variant in disease conclusively. Therefore, this variant is classified as a Variant of Uncertain Significance.

This study involves interpretation of variants in research participants for the purpose of population health screening. Participant phenotype was not available at the time of variant classification. Additional details can be found in publication PMID: 35346344, PMCID: PMC8962531

Literature cited by the submitters: PubMed 17576681 (cited by Labcorp Genetics (formerly Invitae), Labcorp); PubMed 9536098 (cited by Labcorp Genetics (formerly Invitae), Labcorp).